The following is an entry in ClinVar:

NM_001244008.2(KIF1A):c.3716A>G (p.Tyr1239Cys)

Gene: KIF1A (kinesin family member 1A; minus strand). Cytogenetic location: 2q37.3.
Variant type: single nucleotide variant.
Coding change: c.3716A>G on transcript NM_001244008.2 (MANE Select); coding-DNA position 3716, A replaced by G.
Protein change: p.Tyr1239Cys; replaces tyrosine 1239 with cysteine.
Molecular consequence: missense variant.
Genome position (GRCh38, 1-based): chr2:240,741,302, T>C on the plus strand (A>G on the coding strand, the complement: KIF1A is on the minus strand). VCF-style: chr2-240741302-T-C. GRCh37 (hg19) VCF-style: chr2-241680719-T-C.
Other names: c.3440A>G, p.Tyr1147Cys (NM_001320705.2, NM_001330289.2, NM_001379638.1); c.3515A>G, p.Tyr1172Cys (NM_001330290.2, NM_001379634.1, NM_001379635.1 and 1 more transcripts); c.3791A>G, p.Tyr1264Cys (NM_001379631.1); c.3665A>G, p.Tyr1222Cys (NM_001379632.1); c.3689A>G, p.Tyr1230Cys (NM_001379633.1, NM_001379642.1, NM_001379645.1); c.3413A>G, p.Tyr1138Cys (NM_001379636.1, NM_001379639.1, NM_001379641.1 and 5 more transcripts); c.3488A>G, p.Tyr1163Cys (NM_001379637.1, NM_001379648.1); c.3410A>G, p.Tyr1137Cys (NM_001379640.1); and 1 more; short protein forms Y1172C, Y1222C, Y1239C, Y1264C, Y1138C, Y1137C, Y1147C, Y1163C.
Identifiers: ClinVar variation 942619 (VCV000942619.11), dbSNP rs999800395, ClinGen allele CA68152854.

ClinVar aggregate classification (germline): Uncertain significance. Review status: criteria provided, multiple submitters, no conflicts (2 of 4 stars). 2 submissions from 2 submitters: Uncertain significance (2). Last evaluated 2025-08-14.

Conditions:
Neuropathy, hereditary sensory, type 2C. Also called: KIF1A-Related HSAN2 (HSAN2C); Hereditary sensory and autonomic neuropathy type IIC. Identifiers: Orphanet 970, MedGen C3280168, MONDO:0013634, OMIM 614213.
Intellectual disability, autosomal dominant 9 (NESCAVS). Also called: NESCAV SYNDROME; KIF1A-Related Neurodevelopmental Disorder. Identifiers: Orphanet 662367, MedGen C5393830, MONDO:0013656, OMIM 614255.
Hereditary spastic paraplegia 30. Identifiers: Orphanet 101010, MedGen C5235139, MONDO:0012476.

Allele frequency attached by ClinVar (database versions not stated): gnomAD exomes 0.00001; TOPMed 0.00002.
gnomAD v4.1: 8 of 1,599,982 alleles (0.0005%); highest among the groups gnomAD compares: Non-Finnish European, 0.00068%; no homozygotes.

Submissions (2):

Athena Diagnostics
Classification: Uncertain significance. Last evaluated: 2025-08-14. Review status: criteria provided, single submitter. Criteria: Athena Diagnostics Criteria. Collection method: clinical testing. Allele origin: unknown.
Comment: Available data are insufficient to determine the clinical significance of the variant at this time. This variant has not been reported in large, multi-ethnic general populations. Polyphen and MutationTaster predict this amino acid change may be benign.

Labcorp Genetics (formerly Invitae), Labcorp
Classification: Uncertain significance for Hereditary spastic paraplegia 30; Neuropathy, hereditary sensory, type 2C; Intellectual disability, autosomal dominant 9. Last evaluated: 2022-07-25. Review status: criteria provided, single submitter. Criteria: Invitae Variant Classification Sherloc (09022015). Collection method: clinical testing. Allele origin: germline.
Comment: This variant has not been reported in the literature in individuals affected with KIF1A-related conditions. ClinVar contains an entry for this variant (Variation ID: 942619). Advanced modeling of protein sequence and biophysical properties (such as structural, functional, and spatial information, amino acid conservation, physicochemical variation, residue mobility, and thermodynamic stability) performed at Invitae indicates that this missense variant is not expected to disrupt KIF1A protein function. In summary, the available evidence is currently insufficient to determine the role of this variant in disease. Therefore, it has been classified as a Variant of Uncertain Significance. This variant is not present in population databases (gnomAD no frequency). This sequence change replaces tyrosine, which is neutral and polar, with cysteine, which is neutral and slightly polar, at codon 1138 of the KIF1A protein (p.Tyr1138Cys).